The following is an entry in ClinVar:

ClinVar aggregate classification (germline): Conflicting classifications of pathogenicity. Review status: criteria provided, conflicting classifications (1 of 4 stars). 2 submissions from 2 submitters: Uncertain significance (1); Likely benign (1). Last evaluated 2024-11-05.

Conditions:
Hereditary cancer-predisposing syndrome. Also called: Neoplastic Syndromes, Hereditary; Tumor predisposition; Hereditary neoplastic syndrome; Hereditary Cancer Syndrome. Identifiers: Orphanet 140162, MedGen C0027672, MeSH D009386, MONDO:0015356.
Rhabdoid tumor predisposition syndrome 2 (RTPS2). Identifiers: Orphanet 231108, Orphanet 69077, MedGen C2750074, MONDO:0013224, OMIM 613325.

Submissions (2):

Ambry Genetics
Classification: Likely benign for Hereditary cancer-predisposing syndrome. Last evaluated: 2024-11-05. Review status: criteria provided, single submitter. Criteria: Ambry Variant Classification Scheme 2023. Collection method: clinical testing. Allele origin: germline.

Labcorp Genetics (formerly Invitae), Labcorp
Classification: Uncertain significance for Rhabdoid tumor predisposition syndrome 2. Last evaluated: 2024-08-07. Review status: criteria provided, single submitter. Criteria: Invitae Variant Classification Sherloc (09022015). Collection method: clinical testing. Allele origin: germline.
Comment: This sequence change replaces alanine, which is neutral and non-polar, with serine, which is neutral and polar, at codon 104 of the SMARCA4 protein (p.Ala104Ser). This variant is not present in population databases (gnomAD no frequency). This variant has not been reported in the literature in individuals affected with SMARCA4-related conditions. ClinVar contains an entry for this variant (Variation ID: 1356618). Advanced modeling of protein sequence and biophysical properties (such as structural, functional, and spatial information, amino acid conservation, physicochemical variation, residue mobility, and thermodynamic stability) performed at Invitae indicates that this missense variant is not expected to disrupt SMARCA4 protein function with a negative predictive value of 95%. In summary, the available evidence is currently insufficient to determine the role of this variant in disease. Therefore, it has been classified as a Variant of Uncertain Significance.

NM_003072.5(SMARCA4):c.310G>T (p.Ala104Ser)

Gene: SMARCA4 (SWI/SNF related BAF chromatin remodeling complex subunit ATPase 4; plus strand). Cytogenetic location: 19p13.2.
Variant type: single nucleotide variant.
Coding change: c.310G>T on transcript NM_003072.5 (MANE Select); coding-DNA position 310, G replaced by T.
Protein change: p.Ala104Ser; replaces alanine 104 with serine.
Molecular consequence: missense variant. On other transcripts: non-coding transcript variant (1).
Genome position (GRCh38, 1-based): chr19:10,985,360, G>T. VCF-style: chr19-10985360-G-T. GRCh37 (hg19) VCF-style: chr19-11096036-G-T.
Other names: c.310G>T, p.Ala104Ser (NM_001128844.3, NM_001128845.2, NM_001128846.2 and 5 more transcripts); c.310G>T (NM_001128849.1); short protein forms A104S.
Identifiers: ClinVar variation 1356618 (VCV001356618.10), dbSNP rs1599941622, ClinGen allele CA404055267.